The following is an entry in ClinVar:

NM_001466.4(FZD2):c.551GCG[5] (p.Gly187_Ala188insGly)

Gene: FZD2 (frizzled class receptor 2; plus strand). Cytogenetic location: 17q21.31.
Variant type: Microsatellite.
Coding change: c.551GCG[5] on transcript NM_001466.4 (MANE Select); five copies in a row of the 3-base unit GCG starting at c.551; the reference has four copies in a row; one copy, 3 bases duplicated.
Protein change: p.Gly187_Ala188insGly.
Molecular consequence: inframe insertion.
Genome position (GRCh38, 1-based): chr17:44,558,248-44,558,250, GCG duplicated; duplicating any 3 consecutive bases within chr17:44,558,238-44,558,250 gives the same sequence; the position shown is the placement nearest the transcript's 3' end. VCF-style (leftmost placement, unchanged base first): chr17-44558237-G-GGGC. GRCh37 (hg19) VCF-style: chr17-42635605-G-GGGC.
Identifiers: ClinVar variation 2969637 (VCV002969637.4), dbSNP rs1182540675, ClinGen allele CA772288701.
Genomic context (GRCh38, chr17:44,558,237, plus strand): 5'-ACTCACCACCGCGCCGCCGCCGGGACTGCAGCCGGGTGCCGGGGGCACCCCGGGTGGCCC[G>GGGC]GGCGGCGGCGGCGCTCCCCCGCGCTACGCCACGCTGGAGCACCCCTTCCACTGCCCGCGC-3'

ClinVar aggregate classification (germline): Uncertain significance. Review status: criteria provided, multiple submitters, no conflicts (2 of 4 stars). 2 submissions from 2 submitters: Uncertain significance (2). Last evaluated 2025-01-08.

Submissions (2):

Labcorp Genetics (formerly Invitae), Labcorp
Classification: Uncertain significance. Last evaluated: 2025-01-08. Review status: criteria provided, single submitter. Criteria: Invitae Variant Classification Sherloc (09022015). Collection method: clinical testing. Allele origin: germline.
Comment: This variant, c.560_562dup, results in the insertion of 1 amino acid(s) of the FZD2 protein (p.Gly187dup), but otherwise preserves the integrity of the reading frame. This variant is not present in population databases (gnomAD no frequency). This variant has not been reported in the literature in individuals affected with FZD2-related conditions. In summary, the available evidence is currently insufficient to determine the role of this variant in disease. Therefore, it has been classified as a Variant of Uncertain Significance.

Blueprint Genetics
Classification: Uncertain significance. Last evaluated: 2022-06-07. Review status: criteria provided, single submitter. Criteria: ACMG Guidelines, 2015. Collection method: clinical testing. Allele origin: germline.